The following is an entry in ClinVar:

ClinVar aggregate classification (germline): Uncertain significance (1 of 4 stars; one submission).

Allele frequency attached by ClinVar (database versions not stated): gnomAD exomes below 0.00001.
gnomAD v4.1: 1 of 1,612,200 alleles (0.000062%); highest among the groups gnomAD compares: Non-Finnish European, 0.000085%; no homozygotes.

Submission:

Labcorp Genetics (formerly Invitae), Labcorp
Classification: Uncertain significance. Last evaluated: 2022-02-10. Review status: criteria provided, single submitter. Criteria: Invitae Variant Classification Sherloc (09022015). Collection method: clinical testing. Allele origin: germline.
Comment: This sequence change replaces serine, which is neutral and polar, with asparagine, which is neutral and polar, at codon 621 of the TCIRG1 protein (p.Ser621Asn). This variant is not present in population databases (gnomAD no frequency). This variant has not been reported in the literature in individuals affected with TCIRG1-related conditions. Algorithms developed to predict the effect of missense changes on protein structure and function (SIFT, PolyPhen-2, Align-GVGD) all suggest that this variant is likely to be tolerated. In summary, the available evidence is currently insufficient to determine the role of this variant in disease. Therefore, it has been classified as a Variant of Uncertain Significance.

NM_006019.4(TCIRG1):c.1862G>A (p.Ser621Asn)

Gene: TCIRG1 (T cell immune regulator 1, ATPase H+ transporting V0 subunit a3; plus strand). Cytogenetic location: 11q13.2.
Variant type: single nucleotide variant.
Coding change: c.1862G>A on transcript NM_006019.4 (MANE Select); coding-DNA position 1862, G replaced by A.
Protein change: p.Ser621Asn; replaces serine 621 with asparagine.
Molecular consequence: missense variant.
Genome position (GRCh38, 1-based): chr11:68,049,269, G>A. VCF-style: chr11-68049269-G-A. GRCh37 (hg19) VCF-style: chr11-67816736-G-A.
Other names: c.968G>A, p.Ser323Asn (NM_001351059.2); c.1214G>A, p.Ser405Asn (NM_006053.4); short protein forms S405N, S621N, S323N.
Identifiers: ClinVar variation 1467691 (VCV001467691.8), dbSNP rs1421877519, ClinGen allele CA381587376.
Genomic context (GRCh38, chr11:68,049,269, plus strand): 5'-CCTCGGCCCCCAGCATCCTCATCCACTTCATCAACATGTTCCTCTTCTCCCACAGCCCCA[G>A]CAACAGGCTGCTCTACCCCCGGCAGGTGGGCTGCGGCTGGTGGGGGCCGGGCTCACACGG-3'
Protein context (NP_006010.2, residues 611-631): INMFLFSHSP[Ser621Asn]NRLLYPRQEV